The following is an entry in ClinVar:

NM_001164508.2(NEB):c.12278dup (p.Asp4094fs)

Gene: NEB (nebulin; minus strand). Cytogenetic location: 2q23.3.
Variant type: Duplication.
Coding change: c.12278dup on transcript NM_001164508.2 (MANE Select); coding-DNA position 12278, one base duplicated (C; older notation c.12278dupC).
Protein change: p.Asp4094fs; shifts the reading frame from aspartic acid 4094.
Molecular consequence: frameshift variant.
Genome position (GRCh38, 1-based): chr2:151,609,861, G duplicated on the plus strand (C on the coding strand, the reverse complement: NEB is on the minus strand); the first of 2 consecutive G bases (chr2:151,609,861-151,609,862); duplicating either gives the same sequence. VCF-style (leftmost placement, unchanged base first): chr2-151609860-C-CG. GRCh37 (hg19) VCF-style: chr2-152466374-C-CG.
Other names: c.12278dup, p.Asp4094fs (NM_001164507.2, NM_001271208.2); c.11549dup, p.Asp3851fs (NM_004543.5); short protein forms D4094fs, D3851fs.
Identifiers: ClinVar variation 2765548 (VCV002765548.3), dbSNP rs2552227141, ClinGen allele CA2697551194.

ClinVar aggregate classification (germline): Pathogenic (1 of 4 stars; one submission).

Conditions:
Nemaline myopathy 2 (NEM2). Also called: Nemaline myopathy 2, autosomal recessive. Identifiers: MedGen C1850569, MONDO:0009725, OMIM 256030.

Submission:

Labcorp Genetics (formerly Invitae), Labcorp
Classification: Pathogenic for Nemaline myopathy 2. Last evaluated: 2023-10-04. Review status: criteria provided, single submitter. Criteria: Invitae Variant Classification Sherloc (09022015). Collection method: clinical testing. Allele origin: germline.
Comment: This sequence change creates a premature translational stop signal (p.Asp4094Glyfs*13) in the NEB gene. It is expected to result in an absent or disrupted protein product. Loss-of-function variants in NEB are known to be pathogenic (PMID: 25205138). This variant is not present in population databases (gnomAD no frequency). This variant has not been reported in the literature in individuals affected with NEB-related conditions. For these reasons, this variant has been classified as Pathogenic.

Literature cited by the submitters: PubMed 25205138.